The following is an entry in ClinVar:

ClinVar aggregate classification (germline): Conflicting classifications of pathogenicity. Review status: criteria provided, conflicting classifications (1 of 4 stars). 3 submissions from 3 submitters: Uncertain significance (2); Benign (1). Last evaluated 2026-04-14.

Conditions:
Inborn genetic diseases. Identifiers: MedGen C0950123, MeSH D030342.

Allele frequency attached by ClinVar (database versions not stated): gnomAD 0.00001; TOPMed 0.00002.
gnomAD v4.1: 1 of 1,613,892 alleles (0.000062%); highest among the groups gnomAD compares: African/African-American, 0.0013%; no homozygotes.

Submissions (3):

Women's Health and Genetics/Laboratory Corporation of America, LabCorp
Classification: Uncertain significance. Last evaluated: 2026-04-14. Review status: criteria provided, single submitter. Criteria: LabCorp Variant Classification Summary - May 2015. Collection method: clinical testing. Allele origin: germline.
Comment: Variant summary: COL11A1 c.5149T>A (p.Ser1717Thr) results in a conservative amino acid change in the encoded protein sequence. Algorithms developed to predict the effect of missense changes on protein structure and function are either unavailable or do not agree on the potential impact of this missense change. The variant allele was found at a frequency of 4e-06 in 250972 control chromosomes. The available data on variant occurrences in the general population are insufficient to allow any conclusion about variant significance. To our knowledge, no occurrence of c.5149T>A in individuals affected with COL11A1-related conditions and no experimental evidence demonstrating its impact on protein function have been reported. ClinVar contains an entry for this variant (Variation ID: 2415667). Based on the evidence outlined above, the variant was classified as uncertain significance.

Labcorp Genetics (formerly Invitae), Labcorp
Classification: Benign. Last evaluated: 2024-04-12. Review status: criteria provided, single submitter. Criteria: Invitae Variant Classification Sherloc (09022015). Collection method: clinical testing. Allele origin: germline.

Ambry Genetics
Classification: Uncertain significance for Inborn genetic diseases. Last evaluated: 2023-10-02. Review status: criteria provided, single submitter. Criteria: Ambry Variant Classification Scheme 2023. Collection method: clinical testing. Allele origin: germline.

NM_001854.4(COL11A1):c.5149T>A (p.Ser1717Thr)

Genes: COL11A1 (collagen type XI alpha 1 chain; minus strand), LOC126805814 (P300/CBP strongly-dependent group 1 enhancer GRCh37_chr1:103344928-103346127; plus strand). Cytogenetic location: 1p21.1.
Variant type: single nucleotide variant.
Coding change: c.5149T>A on transcript NM_001854.4 (MANE Select); coding-DNA position 5149, T replaced by A.
Protein change: p.Ser1717Thr; replaces serine 1717 with threonine.
Molecular consequence: missense variant. On other transcripts: non-coding transcript variant (1).
Genome position (GRCh38, 1-based): chr1:102,879,808, A>T on the plus strand (T>A on the coding strand, the complement: COL11A1 is on the minus strand). VCF-style: chr1-102879808-A-T. GRCh37 (hg19) VCF-style: chr1-103345364-A-T.
Other names: c.4801T>A, p.Ser1601Thr (NM_001168249.1, NM_080630.4); c.5032T>A, p.Ser1678Thr (NM_001190709.2); c.5185T>A, p.Ser1729Thr (NM_080629.3); c.5149T>A (NM_001854.3); short protein forms S1601T, S1678T, S1717T, S1729T.
Identifiers: ClinVar variation 2415667 (VCV002415667.9), dbSNP rs1321965694, ClinGen allele CA341211002.